The following is an entry in ClinVar:

NM_000844.4(GRM7):c.997G>A (p.Ala333Thr)

Gene: GRM7 (glutamate metabotropic receptor 7; plus strand). Cytogenetic location: 3p26.1.
Variant type: single nucleotide variant.
Coding change: c.997G>A on transcript NM_000844.4 (MANE Select); coding-DNA position 997, G replaced by A.
Protein change: p.Ala333Thr; replaces alanine 333 with threonine.
Molecular consequence: missense variant.
Genome position (GRCh38, 1-based): chr3:7,306,616, G>A. VCF-style: chr3-7306616-G-A. GRCh37 (hg19) VCF-style: chr3-7348303-G-A.
Other names: c.997G>A, p.Ala333Thr (NM_181874.3); short protein forms A333T.
Identifiers: ClinVar variation 5006696 (VCV005006696.2).

ClinVar aggregate classification (germline): Uncertain significance (1 of 4 stars; one submission).

Conditions:
Neurodevelopmental disorder with seizures, hypotonia, and brain imaging abnormalities. Identifiers: MedGen C5394517, MONDO:0030063, OMIM 618922.

gnomAD v4.1: 1 of 1,611,966 alleles (0.000062%); highest among the groups gnomAD compares: Non-Finnish European, 0.000085%; no homozygotes.

Submission:

Juno Genomics, Hangzhou Juno Genomics, Inc
Classification: Uncertain significance for Neurodevelopmental disorder with seizures, hypotonia, and brain imaging abnormalities. Review status: criteria provided, single submitter. Criteria: ACMG Guidelines, 2015. Collection method: clinical testing. Allele origin: germline.
Comment: Absent from controls (or at extremely low frequency if recessive) in Genome Aggregation Database.;Multiple lines of computational evidence support a deleterious effect on the gene or gene product.